The following is an entry in ClinVar:

ClinVar aggregate classification (germline): Uncertain significance (1 of 4 stars; one submission).

Submission:

Labcorp Genetics (formerly Invitae), Labcorp
Classification: Uncertain significance. Last evaluated: 2023-11-07. Review status: criteria provided, single submitter. Criteria: Invitae Variant Classification Sherloc (09022015). Collection method: clinical testing. Allele origin: germline.
Comment: This variant, c.1176_1178del, results in the deletion of 1 amino acid(s) of the ASPH protein (p.Arg393del), but otherwise preserves the integrity of the reading frame. This variant is present in population databases (rs774306827, gnomAD 0.007%). This variant has been observed in individual(s) with clinical features of Traboulsi syndrome (Invitae). Experimental studies and prediction algorithms are not available or were not evaluated, and the functional significance of this variant is currently unknown. In summary, the available evidence is currently insufficient to determine the role of this variant in disease. Therefore, it has been classified as a Variant of Uncertain Significance.

NM_004318.4(ASPH):c.1173GAG[1] (p.Arg393del)

Gene: ASPH (aspartate beta-hydroxylase; minus strand). Cytogenetic location: 8q12.3.
Variant type: Microsatellite.
Coding change: c.1173GAG[1] on transcript NM_004318.4 (MANE Select); one copy of the 3-base unit GAG starting at c.1173; the reference has two copies in a row; one copy, 3 bases deleted.
Protein change: p.Arg393del; deletes arginine 393.
Molecular consequence: inframe deletion. On other transcripts: intron variant (1).
Genome position (GRCh38, 1-based): chr8:61,567,290-61,567,292, CTC deleted on the plus strand (GAG on the coding strand, the reverse complement: ASPH is on the minus strand); deleting any 3 consecutive bases within chr8:61,567,290-61,567,295 gives the same sequence; the position shown is the placement nearest the transcript's 3' end. VCF-style (leftmost placement, unchanged base first): chr8-61567289-TCTC-T. GRCh37 (hg19) VCF-style: chr8-62479848-TCTC-T.
Other names: c.1116GAG[1], p.Arg374del (NM_001413847.1, NM_001413860.1, NM_001413896.1); c.1176GAG[1], p.Arg394del (NM_001413848.1); c.1173GAG[1], p.Arg393del (NM_001413849.1, NM_001413844.1, NM_001413891.1); c.1086GAG[1], p.Arg364del (NM_001164750.2, NM_001413864.1, NM_001413865.1 and 1 more transcripts); c.1218GAG[1], p.Arg408del (NM_001413845.1); c.1215GAG[1], p.Arg407del (NM_001413846.1); c.1128GAG[1], p.Arg378del (NM_001413857.1); c.1125GAG[1], p.Arg377del (NM_001413858.1); and 33 more; short protein forms R231del, R306del, R316del, R324del, R331del, R334del, R368del, R378del.
Identifiers: ClinVar variation 3007500 (VCV003007500.3), dbSNP rs774306827, ClinGen allele CA4761814.